The following is an entry in ClinVar:

NM_001374828.1(ARID1B):c.3128T>A (p.Met1043Lys)

Gene: ARID1B (AT-rich interaction domain 1B; plus strand). Cytogenetic location: 6q25.3.
Variant type: single nucleotide variant.
Coding change: c.3128T>A on transcript NM_001374828.1 (MANE Select); coding-DNA position 3128, T replaced by A.
Protein change: p.Met1043Lys; replaces methionine 1043 with lysine.
Molecular consequence: missense variant.
Genome position (GRCh38, 1-based): chr6:157,167,078, T>A. VCF-style: chr6-157167078-T-A. GRCh37 (hg19) VCF-style: chr6-157488212-T-A.
Other names: c.629T>A, p.Met210Lys (NM_001363725.2); c.3167T>A, p.Met1056Lys (NM_001371656.1, NM_001374820.1); c.3128T>A, p.Met1043Lys (NM_017519.3); c.2918T>A (NM_020732.3); short protein forms M1043K, M1056K, M210K.
Identifiers: ClinVar variation 3369031 (VCV003369031.1).

ClinVar aggregate classification (germline): Uncertain significance (1 of 4 stars; one submission).

Submission:

GeneDx
Classification: Uncertain significance. Last evaluated: 2024-02-08. Review status: criteria provided, single submitter. Criteria: GeneDx Variant Classification Process June 2021. Collection method: clinical testing. Allele origin: germline. Affected: yes.
Comment: Not observed at significant frequency in large population cohorts (gnomAD); In silico analysis supports that this missense variant has a deleterious effect on protein structure/function; Has not been previously published as pathogenic or benign to our knowledge